The following is an entry in ClinVar:

NM_152564.5(VPS13B):c.7230T>A (p.Asn2410Lys)

Gene: VPS13B (vacuolar protein sorting 13 homolog B; plus strand). Cytogenetic location: 8q22.2.
Variant type: single nucleotide variant.
Coding change: c.7230T>A on transcript NM_152564.5 (MANE Select); coding-DNA position 7230, T replaced by A.
Protein change: p.Asn2410Lys; replaces asparagine 2410 with lysine.
Molecular consequence: missense variant.
Genome position (GRCh38, 1-based): chr8:99,766,953, T>A. VCF-style: chr8-99766953-T-A. GRCh37 (hg19) VCF-style: chr8-100779181-T-A.
Other names: c.7305T>A, p.Asn2435Lys (NM_017890.5); c.7230T>A (NM_152564.4); short protein forms N2410K, N2435K.
Identifiers: ClinVar variation 1036289 (VCV001036289.11), dbSNP rs758694590, ClinGen allele CA4824168.

ClinVar aggregate classification (germline): Uncertain significance. Review status: criteria provided, multiple submitters, no conflicts (2 of 4 stars). 3 submissions from 3 submitters: Uncertain significance (2). 1 of the submissions does not count toward it. Last evaluated 2026-07-06.

Conditions:
VPS13B-related disorder. Also called: VPS13B-related condition.
Cohen syndrome (COH1). Also called: Cutis verticis gyrata, retinitis pigmentosa, and sensorineural deafness; PEPPER SYNDROME. Identifiers: Orphanet 193, MedGen C0265223, MONDO:0008999, OMIM 216550.

Allele frequency attached by ClinVar (database versions not stated): gnomAD exomes below 0.00001; TOPMed below 0.00001; ExAC 0.00001; gnomAD 0.00001.
gnomAD v4.1: 3 of 1,613,826 alleles (0.00019%); highest among the groups gnomAD compares: Non-Finnish European, 0.00017%; no homozygotes.

Submissions (3):

PreventionGenetics, part of Exact Sciences
Classification: Uncertain significance for VPS13B-related condition. Last evaluated: 2026-07-06. Review status: criteria provided, single submitter. Criteria: ACMG Guidelines, 2015. Collection method: clinical testing. Allele origin: germline.
Comment: The VPS13B c.7230T>A variant is predicted to result in the amino acid substitution p.Asn2410Lys. To our knowledge, this variant has not been reported in the literature. This variant is reported in 0.00088% of alleles in individuals of European (Non-Finnish) descent in gnomAD. At this time, the clinical significance of this variant is uncertain due to the absence of conclusive functional and genetic evidence.

Labcorp Genetics (formerly Invitae), Labcorp
Classification: Uncertain significance for Cohen syndrome. Last evaluated: 2020-04-14. Review status: criteria provided, single submitter. Criteria: Invitae Variant Classification Sherloc (09022015). Collection method: clinical testing. Allele origin: germline.
Comment: In summary, the available evidence is currently insufficient to determine the role of this variant in disease. Therefore, it has been classified as a Variant of Uncertain Significance. Algorithms developed to predict the effect of missense changes on protein structure and function are either unavailable or do not agree on the potential impact of this missense change (SIFT: "Not Available"; PolyPhen-2: "Benign"; Align-GVGD: "Not Available"). This variant has not been reported in the literature in individuals with VPS13B-related conditions. This variant is present in population databases (rs758694590, ExAC 0.002%). This sequence change replaces asparagine with lysine at codon 2435 of the VPS13B protein (p.Asn2435Lys). The asparagine residue is moderately conserved and there is a moderate physicochemical difference between asparagine and lysine.

Natera, Inc.
Classification: Uncertain significance for Cohen syndrome. Last evaluated: 2020-04-28. Review status: no assertion criteria provided. Collection method: clinical testing. Allele origin: germline. Not counted in ClinVar's aggregate classification.